The following is an entry in ClinVar:

NM_000297.4(PKD2):c.242C>A (p.Ser81Ter)

Genes: PKD2 (polycystin 2, transient receptor potential cation channel; plus strand), LOC129992813 (ATAC-STARR-seq lymphoblastoid silent region 15559; plus strand). Cytogenetic location: 4q22.1.
Variant type: single nucleotide variant.
Coding change: c.242C>A on transcript NM_000297.4 (MANE Select); coding-DNA position 242, C replaced by A.
Protein change: p.Ser81Ter; replaces serine 81 with a stop codon.
Molecular consequence: nonsense. On other transcripts: non-coding transcript variant (1).
Genome position (GRCh38, 1-based): chr4:88,007,975, C>A. VCF-style: chr4-88007975-C-A. GRCh37 (hg19) VCF-style: chr4-88929127-C-A.
Other names: short protein forms S81*.
Identifiers: ClinVar variation 3591335 (VCV003591335.1).

ClinVar aggregate classification (germline): Pathogenic. Review status: criteria provided, multiple submitters, no conflicts (2 of 4 stars). 2 submissions from 2 submitters: Pathogenic (2). Last evaluated 2025-12-30.

Conditions:
Polycystic kidney disease 2 (PKD2). Also called: POLYCYSTIC KIDNEY DISEASE, ADULT, TYPE II; Polycystic Kidney Disease 2, Autosomal Dominant; POLYCYSTIC KIDNEY DISEASE 2 WITH OR WITHOUT POLYCYSTIC LIVER DISEASE. Identifiers: MedGen C2751306, MONDO:0013131, OMIM 613095.

Submissions (2):

Variantyx, Inc.
Classification: Pathogenic for Polycystic kidney disease 2. Last evaluated: 2025-12-30. Review status: criteria provided, single submitter. Criteria: Variantyx Assertion Criteria 2022. Collection method: clinical testing. Allele origin: germline. Inheritance: Autosomal dominant inheritance. Affected: yes.
Comment: This is a nonsense variant in the PKD2 gene (OMIM: 173910). Pathogenic variants in this gene have been associated with autosomal dominant polycystic kidney disease 2. This variant introduces a premature termination codon in exon 1 out of 15 and is expected to result in loss of function, which is a known disease mechanism for PKD2 in this disorder (PMID: 8650545, 9402976) (PVS1). This variant has been reported in at least 2 unrelated affected individuals (PMID: 37509056) (PS4_Moderate) and is absent from control populations (PM2). Based on the current evidence, this variant is classified as pathogenic for autosomal dominant polycystic kidney disease 2.

Fulgent Genetics
Classification: Pathogenic for Polycystic kidney disease 2. Last evaluated: 2024-01-18. Review status: criteria provided, single submitter. Criteria: ACMG Guidelines, 2015. Collection method: clinical testing. Allele origin: germline.

Literature cited by the submitters: PubMed 8650545 (cited by Variantyx, Inc.); PubMed 9402976 (cited by Variantyx, Inc.); PubMed 37509056 (cited by Variantyx, Inc.).